The following is an entry in ClinVar:

NM_001386298.1(CIC):c.3044del (p.Pro1015fs)

Gene: CIC (capicua transcriptional repressor; plus strand). Cytogenetic location: 19q13.2.
Variant type: Deletion.
Coding change: c.3044del on transcript NM_001386298.1 (MANE Select); coding-DNA position 3044, one base deleted (C; older notation c.3044delC).
Protein change: p.Pro1015fs; shifts the reading frame from proline 1015.
Molecular consequence: frameshift variant.
Genome position (GRCh38, 1-based): chr19:42,287,105, C deleted; the last of 3 consecutive C bases (chr19:42,287,103-42,287,105); deleting any one gives the same sequence. VCF-style (leftmost placement, unchanged base first): chr19-42287102-GC-G. GRCh37 (hg19) VCF-style: chr19-42791254-GC-G.
Other names: c.3044del, p.Pro1015fs (NM_001304815.2, NM_001379480.1, NM_001379482.1); c.317del, p.Pro106fs (NM_001379484.1, NM_001379485.1, NM_015125.5); short protein forms P1015fs, P106fs.
Identifiers: ClinVar variation 1308289 (VCV001308289.2), dbSNP rs2147179662, ClinGen allele CA2573054781.
Genomic context (GRCh38, chr19:42,287,102, plus strand): 5'-CACCAGGTGGGACAGGGAGTGCTGACCCTGAGCGGCCCCCTGGAGCCACATGCCCTGAGA[GC>G]CCAGGACCCGGACCCCCACACCCTTTGGGGGTGGTGGAATCTGGTAAGGGTCCGCCTCCC-3'

ClinVar aggregate classification (germline): Uncertain significance (1 of 4 stars; one submission).

Submission:

GeneDx
Classification: Uncertain significance. Last evaluated: 2019-04-03. Review status: criteria provided, single submitter. Criteria: GeneDx Variant Classification Process June 2021. Collection method: clinical testing. Allele origin: germline. Affected: yes.
Comment: Not observed in large population cohorts (Lek et al., 2016); Has not been previously published as pathogenic or benign to our knowledge